The following is an entry in ClinVar:

ClinVar aggregate classification (germline): Benign. Review status: criteria provided, multiple submitters, no conflicts (2 of 4 stars). 2 submissions from 2 submitters: Benign (2). Last evaluated 2018-01-13.

Conditions:
Methylmalonate semialdehyde dehydrogenase deficiency (MMSDHD). Also called: MMSDH DEFICIENCY. Identifiers: Orphanet 289307, MedGen C3279840, MONDO:0013579, OMIM 614105.

Allele frequency attached by ClinVar (database versions not stated): gnomAD 0.23461; TOPMed 0.24339; 1000 Genomes Project 0.30032; 1000 Genomes Project 30x 0.30137.
gnomAD v4.1: 105,453 of 432,008 alleles (24%); highest among the groups gnomAD compares: South Asian, 45%; 15,441 homozygotes.

Submissions (2):

Illumina Laboratory Services, Illumina
Classification: Benign for Methylmalonate semialdehyde dehydrogenase deficiency. Last evaluated: 2018-01-13. Review status: criteria provided, single submitter. Criteria: ICSL Variant Classification Criteria 13 December 2019. Collection method: clinical testing. Allele origin: germline.
Comment: This variant was observed in the ICSL laboratory as part of a predisposition screen in an ostensibly healthy population. It had not been previously curated by ICSL or reported in the Human Gene Mutation Database (HGMD: prior to June 1st, 2018), and was therefore a candidate for classification through an automated scoring system. Utilizing variant allele frequency, disease prevalence and penetrance estimates, and inheritance mode, an automated score was calculated to assess if this variant is too frequent to cause the disease. Based on the score and internal cut-off values, a variant classified as benign is not then subjected to further curation. The score for this variant resulted in a classification of benign for this disease.

Breakthrough Genomics
Classification: Benign. Review status: criteria provided, single submitter. Criteria: ACMG Guidelines, 2015. Collection method: not provided. Allele origin: germline. Inheritance: Autosomal recessive inheritance. Affected: yes.

NM_005589.4(ALDH6A1):c.*1157G>C

Genes: ALDH6A1 (aldehyde dehydrogenase 6 family member A1; minus strand), BBOF1 (basal body orientation factor 1; plus strand). Cytogenetic location: 14q24.3.
Variant type: single nucleotide variant.
Coding change: c.*1157G>C on transcript NM_005589.4 (MANE Select); 1157 bases downstream of the stop codon, G replaced by C.
Molecular consequence: 3 prime UTR variant. On other transcripts: intron variant (1).
Genome position (GRCh38, 1-based): chr14:74,059,485, C>G on the plus strand (G>C on the coding strand, the complement: ALDH6A1 is on the minus strand). VCF-style: chr14-74059485-C-G. GRCh37 (hg19) VCF-style: chr14-74526188-C-G.
Other names: c.*1157G>C (NM_001278593.2, NM_001278594.2); c.1578+2227C>G (NM_025057.3).
Identifiers: ClinVar variation 886801 (VCV000886801.5), dbSNP rs4646866, ClinGen allele CA13964496.